The following is an entry in ClinVar:

ClinVar aggregate classification (germline): Likely benign (1 of 4 stars; one submission).

Allele frequency attached by ClinVar (database versions not stated): 1000 Genomes Project 30x 0.00016; ESP Exome Variant Server 0.00081; gnomAD exomes 0.00126.
gnomAD v4.1: 2,125 of 1,594,982 alleles (0.13%); highest among the groups gnomAD compares: Non-Finnish European, 0.11%; 60 homozygotes.

Submission:

CeGaT Center for Human Genetics Tuebingen
Classification: Likely benign. Last evaluated: 2024-01-01. Review status: criteria provided, single submitter. Criteria: CeGaT Center For Human Genetics Tuebingen Variant Classification Criteria Version 2. Collection method: clinical testing. Allele origin: germline. Affected: yes. Observed: 1 variant allele.
Comment: PRAMEF10: BS2

NM_001039361.4(PRAMEF10):c.1425G>A (p.Ter475=)

Gene: PRAMEF10 (PRAME family member 10; minus strand). Cytogenetic location: 1p36.21.
Variant type: single nucleotide variant.
Coding change: c.1425G>A on transcript NM_001039361.4 (MANE Select); coding-DNA position 1425, G replaced by A.
Protein change: p.Ter475=.
Molecular consequence: synonymous variant.
Genome position (GRCh38, 1-based): chr1:12,892,916, C>T on the plus strand (G>A on the coding strand, the complement: PRAMEF10 is on the minus strand). VCF-style: chr1-12892916-C-T. GRCh37 (hg19) VCF-style: chr1-12952747-C-T.
Identifiers: ClinVar variation 3025307 (VCV003025307.22), dbSNP rs199730385, ClinGen allele CA18160707.
Genomic context (GRCh38, chr1:12,892,916, plus strand): 5'-AATATTTTAGTTCCCAAGTGTCCAGAAGAAAGCTTATCCATCCCACGAACCAGGCCTTCC[C>T]TAGGAGCAAAGATGGAAGTCCACTTTCTCAGATGGCCATGAGCCACAGTTAGGGCAAGGG-3'